The following is an entry in ClinVar:

NM_001256007.3(PNPLA8):c.972G>C (p.Gln324His)

Gene: PNPLA8 (patatin like domain 8, phospholipase A2; minus strand). Cytogenetic location: 7q31.1.
Variant type: single nucleotide variant.
Coding change: c.972G>C on transcript NM_001256007.3 (MANE Select); coding-DNA position 972, G replaced by C.
Protein change: p.Gln324His; replaces glutamine 324 with histidine.
Molecular consequence: missense variant.
Genome position (GRCh38, 1-based): chr7:108,514,520, C>G on the plus strand (G>C on the coding strand, the complement: PNPLA8 is on the minus strand). VCF-style: chr7-108514520-C-G. GRCh37 (hg19) VCF-style: chr7-108154964-C-G.
Other names: c.972G>C, p.Gln324His (NM_001256008.3, NM_001256009.3, NM_015723.5); c.672G>C, p.Gln224His (NM_001256010.3, NM_001256011.3); short protein forms Q224H, Q324H.
Identifiers: ClinVar variation 2195658 (VCV002195658.3), dbSNP rs1322561841, ClinGen allele CA368897670.

ClinVar aggregate classification (germline): Uncertain significance (1 of 4 stars; one submission).

Allele frequency attached by ClinVar (database versions not stated): gnomAD exomes 0.00001; TOPMed 0.00001.
gnomAD v4.1: 8 of 1,613,852 alleles (0.0005%); highest among the groups gnomAD compares: Admixed American, 0.013%; no homozygotes.

Submission:

Labcorp Genetics (formerly Invitae), Labcorp
Classification: Uncertain significance. Last evaluated: 2025-10-01. Review status: criteria provided, single submitter. Criteria: Invitae Variant Classification Sherloc (09022015). Collection method: clinical testing. Allele origin: germline.
Comment: This sequence change replaces glutamine, which is neutral and polar, with histidine, which is basic and polar, at codon 324 of the PNPLA8 protein (p.Gln324His). This variant is present in population databases (no rsID available, gnomAD 0.003%). This variant has not been reported in the literature in individuals affected with PNPLA8-related conditions. ClinVar contains an entry for this variant (Variation ID: 2195658). An algorithm developed to predict the effect of missense changes on protein structure and function (PolyPhen-2) suggests that this variant is likely to be tolerated. In summary, the available evidence is currently insufficient to determine the role of this variant in disease. Therefore, it has been classified as a Variant of Uncertain Significance.